The following is an entry in ClinVar:

ClinVar aggregate classification (germline): Uncertain significance (1 of 4 stars; one submission).

Conditions:
Cardiovascular phenotype. Identifiers: MedGen CN230736.

Submission:

Ambry Genetics
Classification: Uncertain significance for Cardiovascular phenotype. Last evaluated: 2026-04-30. Review status: criteria provided, single submitter. Criteria: Ambry Variant Classification Scheme 2023. Collection method: clinical testing. Allele origin: germline.
Comment: The p.Q176E variant (also known as c.526C>G), located in coding exon 2 of the RBM20 gene, results from a C to G substitution at nucleotide position 526. The glutamine at codon 176 is replaced by glutamic acid, an amino acid with highly similar properties. This variant was reported in individual(s) with features consistent with dilated cardiomyopathy (Pe&ntilde;a-Pe&ntilde;a ML et al. Med Clin (Barc), 2021 May;156:485-495; Ambry internal data).This amino acid position is well conserved in available vertebrate species. In addition, this alteration is predicted to be tolerated by in silico analysis. Based on the available evidence, the clinical significance of this variant remains unclear.

Literature cited by the submitters: PubMed 32826072.

NM_001134363.3(RBM20):c.526C>G (p.Gln176Glu)

Gene: RBM20 (RNA binding motif protein 20; plus strand). Cytogenetic location: 10q25.2.
Variant type: single nucleotide variant.
Coding change: c.526C>G on transcript NM_001134363.3 (MANE Select); coding-DNA position 526, C replaced by G.
Protein change: p.Gln176Glu; replaces glutamine 176 with glutamic acid.
Molecular consequence: missense variant.
Genome position (GRCh38, 1-based): chr10:110,781,135, C>G. VCF-style: chr10-110781135-C-G. GRCh37 (hg19) VCF-style: chr10-112540893-C-G.
Other names: short protein forms Q176E.
Identifiers: ClinVar variation 4863068 (VCV004863068.1).